The following is an entry in ClinVar:

NM_002609.4(PDGFRB):c.2939G>A (p.Ser980Asn)

Gene: PDGFRB (platelet derived growth factor receptor beta; minus strand). Cytogenetic location: 5q32.
Variant type: single nucleotide variant.
Coding change: c.2939G>A on transcript NM_002609.4 (MANE Select); coding-DNA position 2939, G replaced by A.
Protein change: p.Ser980Asn; replaces serine 980 with asparagine.
Molecular consequence: missense variant.
Genome position (GRCh38, 1-based): chr5:150,117,816, C>T on the plus strand (G>A on the coding strand, the complement: PDGFRB is on the minus strand). VCF-style: chr5-150117816-C-T. GRCh37 (hg19) VCF-style: chr5-149497379-C-T.
Other names: c.2747G>A, p.Ser916Asn (NM_001355016.2); c.2456G>A, p.Ser819Asn (NM_001355017.2); short protein forms S980N, S819N, S916N.
Identifiers: ClinVar variation 576602 (VCV000576602.8), dbSNP rs1561984983, ClinGen allele CA361756506.

ClinVar aggregate classification (germline): Uncertain significance. Review status: criteria provided, multiple submitters, no conflicts (2 of 4 stars). 2 submissions from 2 submitters: Uncertain significance (2). Last evaluated 2026-01-23.

Conditions:
Basal ganglia calcification, idiopathic, 4 (PFBC4). Also called: PRIMARY FAMILIAL BRAIN CALCIFICATION 4, AUTOSOMAL DOMINANT; Familial Idiopathic Basal Ganglia Calcification 4. Identifiers: Orphanet 1980, MedGen C3554321, MONDO:0014004, OMIM 615007.
Infantile myofibromatosis (IMF). Also called: Congenital generalized fibromatosis. Identifiers: Orphanet 2591, MedGen C0432284, MONDO:0016824.
Acroosteolysis-keloid-like lesions-premature aging syndrome. Also called: Progeroid syndrome, Penttinen type; Premature aging syndrome, Penttinen type; Prematurely aged appearance, delayed bone maturation, acro-osteolysis, and brachydactyly. Identifiers: Orphanet 363665, MedGen C1866182, MONDO:0011150, OMIM 601812.
Skeletal overgrowth-craniofacial dysmorphism-hyperelastic skin-white matter lesions syndrome. Also called: SKELETAL OVERGROWTH WITH FACIAL DYSMORPHISM, HYPERELASTIC SKIN, WHITE MATTER LESIONS, AND NEUROLOGIC DETERIORATION; Kosaki overgrowth syndrome. Identifiers: Orphanet 477831, MedGen C4225270, MONDO:0014704, OMIM 616592.

Allele frequency attached by ClinVar (database versions not stated): gnomAD exomes below 0.00001.
gnomAD v4.1: 2 of 1,613,204 alleles (0.00012%); highest among the groups gnomAD compares: Non-Finnish European, 0.00017%; no homozygotes.

Submissions (2):

GeneDx
Classification: Uncertain significance. Last evaluated: 2026-01-23. Review status: criteria provided, single submitter. Criteria: GeneDx Variant Classification Process June 2021. Collection method: clinical testing. Allele origin: germline. Affected: yes.
Comment: Not observed at significant frequency in large population cohorts (gnomAD); In silico analysis suggests that this missense variant does not alter protein structure/function; Has not been previously published as pathogenic or benign to our knowledge

Labcorp Genetics (formerly Invitae), Labcorp
Classification: Uncertain significance for Basal ganglia calcification, idiopathic, 4; Skeletal overgrowth-craniofacial dysmorphism-hyperelastic skin-white matter lesions syndrome; Infantile myofibromatosis; Acroosteolysis-keloid-like lesions-premature aging syndrome. Last evaluated: 2021-08-26. Review status: criteria provided, single submitter. Criteria: Invitae Variant Classification Sherloc (09022015). Collection method: clinical testing. Allele origin: germline.